The following is an entry in ClinVar:

NM_001370658.1(BTD):c.917A>G (p.Glu306Gly)

Gene: BTD (biotinidase; plus strand). Cytogenetic location: 3p25.1.
Variant type: single nucleotide variant.
Coding change: c.917A>G on transcript NM_001370658.1 (MANE Select); coding-DNA position 917, A replaced by G.
Protein change: p.Glu306Gly; replaces glutamic acid 306 with glycine.
Molecular consequence: missense variant. On other transcripts: intron variant (6).
Genome position (GRCh38, 1-based): chr3:15,644,833, A>G. VCF-style: chr3-15644833-A-G. GRCh37 (hg19) VCF-style: chr3-15686340-A-G.
Other names: c.917A>G, p.Glu306Gly (NM_001407376.1, NM_001407377.1, NM_001407378.1 and 18 more transcripts); c.399+2776A>G (NM_001370753.1, NM_001407400.1, NM_001407380.1 and 3 more transcripts); c.977A>G (NM_000060.2); short protein forms E306G.
Identifiers: ClinVar variation 1450819 (VCV001450819.9), dbSNP rs747059644, ClinGen allele CA351607621.

ClinVar aggregate classification (germline): Uncertain significance. Review status: criteria provided, multiple submitters, no conflicts (2 of 4 stars). 2 submissions from 2 submitters: Uncertain significance (2). Last evaluated 2025-11-27.

Conditions:
Biotinidase deficiency. Also called: Biotin deficiency; BTD deficiency; Late-onset biotin-responsive multiple carboxylase deficiency. Identifiers: Orphanet 79241, MedGen C0220754, MONDO:0009665, OMIM 253260.
Inborn genetic diseases. Identifiers: MedGen C0950123, MeSH D030342.

Allele frequency attached by ClinVar (database versions not stated): TOPMed below 0.00001; gnomAD 0.00001.
gnomAD v4.1: 9 of 1,614,122 alleles (0.00056%); highest among the groups gnomAD compares: Non-Finnish European, 0.00068%; no homozygotes.

Submissions (2):

Labcorp Genetics (formerly Invitae), Labcorp
Classification: Uncertain significance for Biotinidase deficiency. Last evaluated: 2025-11-27. Review status: criteria provided, single submitter. Criteria: Invitae Variant Classification Sherloc (09022015). Collection method: clinical testing. Allele origin: germline.
Comment: This sequence change replaces glutamic acid, which is acidic and polar, with glycine, which is neutral and non-polar, at codon 326 of the BTD protein (p.Glu326Gly). This variant is present in population databases (no rsID available, gnomAD 0.0009%). This variant has not been reported in the literature in individuals affected with BTD-related conditions. ClinVar contains an entry for this variant (Variation ID: 1450819). Invitae Evidence Modeling of protein sequence and biophysical properties (such as structural, functional, and spatial information, amino acid conservation, physicochemical variation, residue mobility, and thermodynamic stability) indicates that this missense variant is expected to disrupt BTD protein function with a positive predictive value of 80%. In summary, the available evidence is currently insufficient to determine the role of this variant in disease. Therefore, it has been classified as a Variant of Uncertain Significance.

Ambry Genetics
Classification: Uncertain significance for Inborn genetic diseases. Last evaluated: 2023-06-16. Review status: criteria provided, single submitter. Criteria: Ambry Variant Classification Scheme 2023. Collection method: clinical testing. Allele origin: germline.